The following is an entry in ClinVar:

NM_001145809.2(MYH14):c.3293A>C (p.Glu1098Ala)

Gene: MYH14 (myosin heavy chain 14; plus strand). Cytogenetic location: 19q13.33.
Variant type: single nucleotide variant.
Coding change: c.3293A>C on transcript NM_001145809.2 (MANE Select); coding-DNA position 3293, A replaced by C.
Protein change: p.Glu1098Ala; replaces glutamic acid 1098 with alanine.
Molecular consequence: missense variant.
Genome position (GRCh38, 1-based): chr19:50,271,970, A>C. VCF-style: chr19-50271970-A-C. GRCh37 (hg19) VCF-style: chr19-50775227-A-C.
Other names: c.3194A>C, p.Glu1065Ala (NM_001077186.2); c.3170A>C, p.Glu1057Ala (NM_024729.4); short protein forms E1057A, E1065A, E1098A.
Identifiers: ClinVar variation 1720603 (VCV001720603.5), dbSNP rs2514412677, ClinGen allele CA406952245.

ClinVar aggregate classification (germline): Uncertain significance (1 of 4 stars; one submission).

Submission:

Labcorp Genetics (formerly Invitae), Labcorp
Classification: Uncertain significance. Last evaluated: 2023-01-05. Review status: criteria provided, single submitter. Criteria: Invitae Variant Classification Sherloc (09022015). Collection method: clinical testing. Allele origin: germline.
Comment: This variant has not been reported in the literature in individuals affected with MYH14-related conditions. This variant is not present in population databases (gnomAD no frequency). This sequence change replaces glutamic acid, which is acidic and polar, with alanine, which is neutral and non-polar, at codon 1057 of the MYH14 protein (p.Glu1057Ala). ClinVar contains an entry for this variant (Variation ID: 1720603). In summary, the available evidence is currently insufficient to determine the role of this variant in disease. Therefore, it has been classified as a Variant of Uncertain Significance. Algorithms developed to predict the effect of missense changes on protein structure and function (SIFT, PolyPhen-2, Align-GVGD) all suggest that this variant is likely to be disruptive.